The following is an entry in ClinVar:

NC_000005.9:g.(?_7870908)_(7900171_?)dup

Gene: MTRR (5-methyltetrahydrofolate-homocysteine methyltransferase reductase; plus strand). Cytogenetic location: 5p15.31.
Variant type: Duplication.
Identifiers: ClinVar variation 1345119 (VCV001345119.5).

ClinVar aggregate classification (germline): Uncertain significance (1 of 4 stars; one submission).

Conditions:
Methylcobalamin deficiency type cblE (HMAE). Also called: HOMOCYSTINURIA-MEGALOBLASTIC ANEMIA, cblE COMPLEMENTATION TYPE; VITAMIN B12-RESPONSIVE HOMOCYSTINURIA, cblE TYPE; HOMOCYSTINURIA-MEGALOBLASTIC ANEMIA, cblE TYPE. Identifiers: Orphanet 2169, Orphanet 622, MedGen C1856057, MONDO:0009354, OMIM 236270.

Submission:

Labcorp Genetics (formerly Invitae), Labcorp
Classification: Uncertain significance for Methylcobalamin deficiency type cblE. Last evaluated: 2022-08-23. Review status: criteria provided, single submitter. Criteria: Invitae Variant Classification Sherloc (09022015). Collection method: clinical testing. Allele origin: germline.
Comment: A copy number gain of the genomic region encompassing the full coding sequence of the MTRR gene has been identified. The boundaries of this event are unknown as they extend beyond the assayed region for this gene and therefore may encompass additional genes. As the precise location of this event is unknown, it may be in tandem or it may be located elsewhere in the genome. This variant has not been reported in the literature in individuals affected with MTRR-related conditions. In summary, the available evidence is currently insufficient to determine the role of this variant in disease. Therefore, it has been classified as a Variant of Uncertain Significance.